The following is an entry in ClinVar:

NM_001267550.2(TTN):c.55692T>A (p.Pro18564=)

Genes: TTN (titin; minus strand), TTN-AS1 (TTN antisense RNA 1; plus strand). Cytogenetic location: 2q31.2.
Variant type: single nucleotide variant.
Coding change: c.55692T>A on transcript NM_001267550.2 (MANE Select); coding-DNA position 55692, T replaced by A.
Protein change: p.Pro18564=; no amino-acid change (proline 18564 retained).
Molecular consequence: synonymous variant.
Genome position (GRCh38, 1-based): chr2:178,601,305, A>T on the plus strand (T>A on the coding strand, the complement: TTN is on the minus strand). VCF-style: chr2-178601305-A-T. GRCh37 (hg19) VCF-style: chr2-179466032-A-T.
Other names: c.50769T>A, p.Pro16923= (NM_001256850.1); c.28497T>A, p.Pro9499= (NM_003319.4); c.28872T>A, p.Pro9624= (NM_133432.3); c.29073T>A, p.Pro9691= (NM_133437.4); c.47988T>A, p.Pro15996= (NM_133378.4).
Identifiers: ClinVar variation 47107 (VCV000047107.13), dbSNP rs200864020, ClinGen allele CA140027.
Genomic context (GRCh38, chr2:178,601,305, plus strand): 5'-ATTTAGATTTTAAAGCTTACATATCGGATCTCTGGCAGTGGTCCTCTGAATGGTTTCCAC[A>T]GGTGGGCCAATACCAAAACGGTTTTCTGCTCGCACACGGAAGAAATATTGCTGTTCAGAG-3'
Protein context (NP_001254479.2, residues 18554-18574): RAENRFGIGP[Pro18564=]VETIQRTTAR

ClinVar aggregate classification (germline): Conflicting classifications of pathogenicity. Review status: criteria provided, conflicting classifications (1 of 4 stars). 6 submissions from 6 submitters: Uncertain significance (1); Likely benign (5). Last evaluated 2026-05-26.

Conditions:
Autosomal recessive limb-girdle muscular dystrophy type 2J (LGMDR10). Also called: Limb-girdle muscular dystrophy, type 2J; MUSCULAR DYSTROPHY, LIMB-GIRDLE, AUTOSOMAL RECESSIVE 10. Identifiers: Orphanet 140922, MedGen C1837342, MONDO:0012127, OMIM 608807.
Dilated cardiomyopathy 1G (CMD1G). Identifiers: Orphanet 154, MedGen C1858763, MONDO:0011400, OMIM 604145.

Allele frequency attached by ClinVar (database versions not stated): ExAC 0.00001; gnomAD exomes 0.00003.
gnomAD v4.1: 15 of 1,595,938 alleles (0.00094%); highest among the groups gnomAD compares: Non-Finnish European, 0.00017%; no homozygotes.

Submissions (6):

Women's Health and Genetics/Laboratory Corporation of America, LabCorp
Classification: Likely benign. Last evaluated: 2026-05-26. Review status: criteria provided, single submitter. Criteria: LabCorp Variant Classification Summary - May 2015. Collection method: clinical testing. Allele origin: germline.

Labcorp Genetics (formerly Invitae), Labcorp
Classification: Likely benign for Dilated cardiomyopathy 1G; Autosomal recessive limb-girdle muscular dystrophy type 2J. Last evaluated: 2025-06-29. Review status: criteria provided, single submitter. Criteria: Invitae Variant Classification Sherloc (09022015). Collection method: clinical testing. Allele origin: germline.

Molecular Diagnostic Laboratory for Inherited Cardiovascular Disease, Montreal Heart Institute
Classification: Likely benign. Last evaluated: 2025-04-09. Review status: criteria provided, single submitter. Criteria: ACMG Guidelines, 2015. Collection method: clinical testing. Allele origin: germline. Affected: no.

Blueprint Genetics
Classification: Likely benign. Last evaluated: 2024-10-22. Review status: criteria provided, single submitter. Criteria: ACMG Guidelines, 2015. Collection method: clinical testing. Allele origin: germline.

Laboratory for Molecular Medicine, Mass General Brigham Personalized Medicine
Classification: Likely benign. Last evaluated: 2016-01-26. Review status: criteria provided, single submitter. Criteria: LMM Criteria. Collection method: clinical testing. Allele origin: germline. Observed: 3 variant alleles.
Comment: p.Pro15996Pro in exon 236 of TTN: This variant is not expected to have clinical significance because it does not alter an amino acid residue and is not located within the splice consensus sequence. It has been identified in 1/64708 Europea n chromosomes by the Exome Aggregation Consortium (ExAC; dbSNP rs200864020).

Eurofins Ntd Llc (ga)
Classification: Uncertain significance. Last evaluated: 2015-02-18. Review status: criteria provided, single submitter. Criteria: EGL Classification Definitions 2015. Collection method: clinical testing. Allele origin: germline. Observed: 1 variant allele, 1 heterozygote.